The following is an entry in ClinVar:

ClinVar aggregate classification (germline): Uncertain significance (1 of 4 stars; one submission).

gnomAD v4.1: 1 of 1,612,624 alleles (0.000062%); highest among the groups gnomAD compares: Non-Finnish European, 0.000085%; no homozygotes.

Submission:

Labcorp Genetics (formerly Invitae), Labcorp
Classification: Uncertain significance. Last evaluated: 2023-06-14. Review status: criteria provided, single submitter. Criteria: Invitae Variant Classification Sherloc (09022015). Collection method: clinical testing. Allele origin: germline.
Comment: This sequence change replaces proline, which is neutral and non-polar, with arginine, which is basic and polar, at codon 570 of the CAMTA1 protein (p.Pro570Arg). This variant is not present in population databases (gnomAD no frequency). This variant has not been reported in the literature in individuals affected with CAMTA1-related conditions. An algorithm developed to predict the effect of missense changes on protein structure and function (PolyPhen-2) suggests that this variant is likely to be disruptive. In summary, the available evidence is currently insufficient to determine the role of this variant in disease. Therefore, it has been classified as a Variant of Uncertain Significance.

NM_015215.4(CAMTA1):c.1709C>G (p.Pro570Arg)

Gene: CAMTA1 (calmodulin binding transcription activator 1; plus strand). Cytogenetic location: 1p36.23.
Variant type: single nucleotide variant.
Coding change: c.1709C>G on transcript NM_015215.4 (MANE Select); coding-DNA position 1709, C replaced by G.
Protein change: p.Pro570Arg; replaces proline 570 with arginine.
Molecular consequence: missense variant.
Genome position (GRCh38, 1-based): chr1:7,664,256, C>G. VCF-style: chr1-7664256-C-G. GRCh37 (hg19) VCF-style: chr1-7724316-C-G.
Other names: c.1619C>G, p.Pro540Arg (NM_001349608.2, NM_001349612.2); c.1709C>G, p.Pro570Arg (NM_001349609.2, NM_001349610.2, NM_001410737.1); c.1637C>G, p.Pro546Arg (NM_001410738.1); short protein forms P540R, P570R, P546R.
Identifiers: ClinVar variation 2785041 (VCV002785041.3), dbSNP rs911656618, ClinGen allele CA338129481.